The following is an entry in ClinVar:

NM_004960.4(FUS):c.1576T>A (p.Tyr526Asn)

Gene: FUS (FUS RNA binding protein; plus strand). Cytogenetic location: 16p11.2.
Variant type: single nucleotide variant.
Coding change: c.1576T>A on transcript NM_004960.4 (MANE Select); coding-DNA position 1576, T replaced by A.
Protein change: p.Tyr526Asn; replaces tyrosine 526 with asparagine.
Molecular consequence: missense variant. On other transcripts: non-coding transcript variant (1).
Genome position (GRCh38, 1-based): chr16:31,191,433, T>A. VCF-style: chr16-31191433-T-A. GRCh37 (hg19) VCF-style: chr16-31202754-T-A.
Other names: c.1573T>A, p.Tyr525Asn (NM_001170634.1); c.1564T>A, p.Tyr522Asn (NM_001170937.1); short protein forms Y522N, Y525N, Y526N.
Identifiers: ClinVar variation 2441591 (VCV002441591.4), dbSNP rs2544281255, ClinGen allele CA395677573.

ClinVar aggregate classification (germline): Conflicting classifications of pathogenicity. Review status: criteria provided, conflicting classifications (1 of 4 stars). 2 submissions from 2 submitters: Likely pathogenic (1); Uncertain significance (1). Last evaluated 2025-10-22.

Conditions:
FUS-related disorder. Also called: FUS-related condition.

Submissions (2):

PreventionGenetics, part of Exact Sciences
Classification: Likely pathogenic for FUS-related condition. Last evaluated: 2025-10-22. Review status: criteria provided, single submitter. Criteria: ACMG Guidelines, 2015. Collection method: clinical testing. Allele origin: germline.
Comment: The FUS c.1576T>A variant is predicted to result in the amino acid substitution p.Tyr526Asn. This variant is located within the conserved C-terminal region of FUS, where missense change is not expected to be tolerated and is considered a hot spot for ALS-causing variants (Lattante et al. 2013. PubMed ID: 23559573). To our knowledge, this variant has not been reported in the literature or in a large population database (gnomAD), indicating this variant is rare. Alternate missense changes at the same amino acid position (p.Tyr526Cys and p.Tyr526Phe) have been reported in individuals with FUS-related ALS (Naumann et al. 2019. PubMed ID: 31682085; Zou et al. 2020. PubMed ID: 32720527). The p.Tyr526Asn variant is interpreted as likely pathogenic.

Revvity Omics, Revvity
Classification: Uncertain significance. Last evaluated: 2022-11-09. Review status: criteria provided, single submitter. Criteria: ACMG Guidelines, 2015. Collection method: clinical testing. Allele origin: germline.